The following continues an entry in ClinVar:

NM_001267550.2(TTN):c.42329T>C (p.Val14110Ala)

Gene: TTN. ClinVar aggregate classification (germline): Conflicting classifications of pathogenicity. Uncertain significance (7); Benign (4); Likely benign (8).

Submissions 18 to 20 of 20:

Laboratory for Molecular Medicine, Mass General Brigham Personalized Medicine
Classification: Uncertain significance. Last evaluated: 2014-07-10. Review status: criteria provided, single submitter. Criteria: LMM Criteria. Collection method: clinical testing. Allele origin: germline. Observed: 2 variant alleles.
Comment: Variant classified as Uncertain Significance - Favor Benign. ). Computat ional prediction tools and conservation analysis do not provide strong support f or or against an impact to the protein. In summary, while the clinical significa nce of the Val11542Ala variant is uncertain, its frequency suggests that it is m ore likely to be benign.

Biesecker Lab/Clinical Genomics Section, National Institutes of Health
Classification: Uncertain significance. Last evaluated: 2013-06-24. Review status: criteria provided, single submitter. Criteria: Ng et al. (Circ Cardiovasc Genet. 2013). Collection method: research. Allele origin: unknown. Observed: 1 variant allele. Study: ClinSeq.
Comment: The study set was not selected for affection status in relation to any cancer. Pathogenicity categories were based on literature curation. See Pubmed ID:23861362 for details.

Medical sequencing

Practice for Gait Abnormalities, David Pomarino, Competency Network Toe Walking C/o Practice Pomarino
Classification: Likely pathogenic for Tip-toe gait. Review status: no assertion criteria provided. Collection method: clinical testing. Allele origin: germline. Affected: yes. Not counted in ClinVar's aggregate classification.
Comment: Myopathy refers to diseases that affect skeletal Muscles. These diseases attack muscle fibers, making muscles weak. Inherited myopathies are often caused by inheriting an abnormal gene mutation from a parent that causes the disease. Symptoms of congenital myopathies usually start at birth or in early childhood, but may not appear until the teen years or even later in adulthood. Congenital myopathies are somewhat unique compared with other inherited myopathies, as weakness typically affects all muscles and is often not progressive. Symptoms are: Muscle weakness, most commonly of upper arms and shoulders and thighs, muscle cramps, stiffness and spasms, fatigue with exertion and lack of energy. Our patients all walk on tiptoe, so they show similar symptoms. When we genetically test them with our toe walking panel, we find that around 90 per cent of them have a genetic variant that explains their toe walking. These can be assigned, for example, to the area of myopathies (such as variants of the COL6A3 gene), the area of hereditary neuropathies (such as variants of the KMT2C gene) or the area of metabolic diseases (such as variants of the PYGM gene). In a smaller group of patients with almost identical symptoms, no abnormality is found in the genes of our panel, but spastic paraplegia can be detected. In another small group of our toe walkers, no abnormalities can be detected in the genes analysed in our toe walking panel, nor do they suffer from spastic paraplegia, as is also the case with healthy children. In contrast to these, however, they show a tiptoe gait. These patients suffer from infantile cerebral palsy, in which toe walking can also be observed.

Literature cited by the submitters: PubMed 31127727 (cited by Athena Diagnostics and Women's Health and Genetics/Laboratory Corporation of America, LabCorp); PubMed 30924900 (cited by Athena Diagnostics and Women's Health and Genetics/Laboratory Corporation of America, LabCorp); PubMed 23861362 (cited by 3 submitters); PubMed 24503780 (cited by 4 submitters); PubMed 37091313 (cited by Practice for Gait Abnormalities, David Pomarino, Competency Network Toe Walking C/o Practice Pomarino).